The following is an entry in ClinVar:

NM_001378452.1(ITPR1):c.4390C>G (p.Leu1464Val)

Gene: ITPR1 (inositol 1,4,5-trisphosphate receptor type 1; plus strand). Cytogenetic location: 3p26.1.
Variant type: single nucleotide variant.
Coding change: c.4390C>G on transcript NM_001378452.1 (MANE Select); coding-DNA position 4390, C replaced by G.
Protein change: p.Leu1464Val; replaces leucine 1464 with valine.
Molecular consequence: missense variant.
Genome position (GRCh38, 1-based): chr3:4,697,255, C>G. VCF-style: chr3-4697255-C-G. GRCh37 (hg19) VCF-style: chr3-4738939-C-G.
Other names: c.4363C>G, p.Leu1455Val (NM_001099952.4); c.4345C>G, p.Leu1449Val (NM_001168272.2); c.4318C>G, p.Leu1440Val (NM_002222.7); short protein forms L1464V, L1440V, L1449V, L1455V.
Identifiers: ClinVar variation 2993980 (VCV002993980.3), dbSNP rs1156659193, ClinGen allele CA351632623.
Genomic context (GRCh38, chr3:4,697,255, plus strand): 5'-GAGGTGGAAATGAAGGAGATTTATACCAGCAATCACATGTGGAAATTGTTTGAGAATTTC[C>G]TTGTAGACATCTGCAGGGTAAGGCTTTTGGAACTGAGGAGGCAGAGTTGGAGAGTGAGAG-3'
Protein context (NP_001365381.1, residues 1454-1474): NHMWKLFENF[Leu1464Val]VDICRACNNT

ClinVar aggregate classification (germline): Uncertain significance (1 of 4 stars; one submission).

Allele frequency attached by ClinVar (database versions not stated): gnomAD exomes below 0.00001; gnomAD 0.00001.
gnomAD v4.1: 4 of 1,559,000 alleles (0.00026%); highest among the groups gnomAD compares: East Asian, 0.0071%; no homozygotes.

Submission:

Labcorp Genetics (formerly Invitae), Labcorp
Classification: Uncertain significance. Last evaluated: 2024-01-29. Review status: criteria provided, single submitter. Criteria: Invitae Variant Classification Sherloc (09022015). Collection method: clinical testing. Allele origin: germline.
Comment: This sequence change replaces leucine, which is neutral and non-polar, with valine, which is neutral and non-polar, at codon 1440 of the ITPR1 protein (p.Leu1440Val). This variant is present in population databases (no rsID available, gnomAD 0.009%). This variant has not been reported in the literature in individuals affected with ITPR1-related conditions. Advanced modeling of protein sequence and biophysical properties (such as structural, functional, and spatial information, amino acid conservation, physicochemical variation, residue mobility, and thermodynamic stability) has been performed at Invitae for this missense variant, however the output from this modeling did not meet the statistical confidence thresholds required to predict the impact of this variant on ITPR1 protein function. In summary, the available evidence is currently insufficient to determine the role of this variant in disease. Therefore, it has been classified as a Variant of Uncertain Significance.